The following is an entry in ClinVar:

ClinVar aggregate classification (germline): Conflicting classifications of pathogenicity. Review status: criteria provided, conflicting classifications (1 of 4 stars). 8 submissions from 8 submitters: Uncertain significance (6); Likely benign (1). 1 of the submissions does not count toward it. Last evaluated 2025-12-19.

Conditions:
Ataxia-telangiectasia syndrome (AT). Also called: Ataxia telangiectasia (A-T); Cerebello-oculocutaneous telangiectasia; Immunodeficiency with ataxia telangiectasia; ATAXIA-TELANGIECTASIA, COMPLEMENTATION GROUP A; ATAXIA-TELANGIECTASIA, FRESNO VARIANT; Ataxia-telangiectasia. Identifiers: Orphanet 100, MedGen C0004135, MONDO:0008840, OMIM 208900.
Hereditary cancer-predisposing syndrome. Also called: Tumor predisposition; Neoplastic Syndromes, Hereditary; Hereditary Cancer Syndrome; Hereditary neoplastic syndrome. Identifiers: Orphanet 140162, MedGen C0027672, MeSH D009386, MONDO:0015356.
Hereditary breast ovarian cancer syndrome. Also called: BRCA1- and BRCA2-Associated Hereditary Breast and Ovarian Cancer; Hereditary breast and/or ovarian cancer syndrome; Hereditary breast and ovarian cancer; Hereditary breast and ovarian cancer syndrome; Hereditary breast and ovarian cancer syndrome (HBOC); Breast and ovarian cancer. Identifiers: Orphanet 145, MedGen C0677776, MeSH D061325, MONDO:0003582. Disease mechanism: loss of function.

Allele frequency attached by ClinVar (database versions not stated): TOPMed below 0.00001; gnomAD 0.00001; gnomAD exomes 0.00001; ExAC 0.00002.

Submissions (8):

Labcorp Genetics (formerly Invitae), Labcorp
Classification: Uncertain significance for Ataxia-telangiectasia syndrome. Last evaluated: 2025-12-19. Review status: criteria provided, single submitter. Criteria: Invitae Variant Classification Sherloc (09022015). Collection method: clinical testing. Allele origin: germline.
Comment: This sequence change replaces proline, which is neutral and non-polar, with histidine, which is basic and polar, at codon 960 of the ATM protein (p.Pro960His). This variant is present in population databases (rs587779828, gnomAD 0.01%). This missense change has been observed in individual(s) with ATM-related conditions (PMID: 30287823, 35264596, 36243179). ClinVar contains an entry for this variant (Variation ID: 221187). Invitae Evidence Modeling of protein sequence and biophysical properties (such as structural, functional, and spatial information, amino acid conservation, physicochemical variation, residue mobility, and thermodynamic stability) indicates that this missense variant is not expected to disrupt ATM protein function with a negative predictive value of 95%. In summary, the available evidence is currently insufficient to determine the role of this variant in disease. Therefore, it has been classified as a Variant of Uncertain Significance.

Ambry Genetics
Classification: Likely benign for Hereditary cancer-predisposing syndrome. Last evaluated: 2025-10-08. Review status: criteria provided, single submitter. Criteria: Ambry Variant Classification Scheme 2023. Collection method: clinical testing. Allele origin: germline.

Women's Health and Genetics/Laboratory Corporation of America, LabCorp
Classification: Uncertain significance. Last evaluated: 2025-02-11. Review status: criteria provided, single submitter. Criteria: LabCorp Variant Classification Summary - May 2015. Collection method: clinical testing. Allele origin: germline.
Comment: Variant summary: ATM c.2879C>A (p.Pro960His) results in a non-conservative amino acid change in the encoded protein sequence. Four of five in-silico tools predict a benign effect of the variant on protein function. The variant allele was found at a frequency of 0.00016 in 726040 control chromosomes, predominantly in the East Asian cohort within the gnomAD database, where the variant is underrepresented and in a case control association study of breast cancer in individuals of Japanese ancestry (Momozawa_2018). This frequency is not significantly higher than estimated for a pathogenic variant in ATM causing Ataxia-Telangiectasia (0.00016 vs 0.004), allowing no conclusion about variant significance. c.2879C>A has been reported in Japanese population databases (example, HGVD Kyoto and JMorp) and in the literature in Japanese individuals affected with Breast Cancer as well as in male and female controls (Momozawa_2018, Okawa_2023) with a reported clinical significance as benign. It has also been reported as a VUS in settings of multigene panel testing in individuals with Breast Cancer (example, Guindalini_2022). To our knowledge, c.2879C>A has not been reported in the literature in individuals affected with Ataxia-Telangiectasia. These report(s) do not provide unequivocal conclusions about association of the variant with Ataxia-Telangiectasia/Breast Cancer. To our knowledge, no experimental evidence demonstrating an impact on protein function has been reported. The following publications have been ascertained in the context of this evaluation (PMID: 35264596, 30287823, 36243179). ClinVar contains an entry for this variant (Variation ID: 221187). Based on the evidence outlined above, the variant was classified as uncertain significance.

Color Diagnostics, LLC DBA Color Health
Classification: Uncertain significance for Hereditary cancer-predisposing syndrome. Last evaluated: 2020-11-16. Review status: criteria provided, single submitter. Criteria: ACMG Guidelines, 2015. Collection method: clinical testing. Allele origin: germline.
Comment: This missense variant replaces proline with histidine at codon 960 of the ATM protein. Computational prediction suggests that this variant may not impact protein structure and function (internally defined REVEL score threshold <= 0.5, PMID: 27666373). To our knowledge, functional studies have not been reported for this variant. This variant has been reported in individuals affected with breast cancer and in unaffected individuals in a case-control study in Japanese population (PMID: 30287823). This variant has been identified in 3/251428 chromosomes in the general population by the Genome Aggregation Database (gnomAD). The available evidence is insufficient to determine the role of this variant in disease conclusively. Therefore, this variant is classified as a Variant of Uncertain Significance.

Cancer Genomics Group, Japanese Foundation For Cancer Research
Classification: Uncertain significance for Hereditary breast and ovarian cancer syndrome. Last evaluated: 2019-05-01. Review status: criteria provided, single submitter. Criteria: ACMG Guidelines, 2015. Collection method: research. Allele origin: germline. Affected: yes.

Blueprint Genetics
Classification: Uncertain significance. Last evaluated: 2019-04-02. Review status: criteria provided, single submitter. Criteria: ACMG Guidelines, 2015. Collection method: clinical testing. Allele origin: germline.

Mendelics
Classification: Uncertain significance for Ataxia-telangiectasia syndrome. Last evaluated: 2018-07-02. Review status: criteria provided, single submitter. Criteria: Mendelics Assertion Criteria 2017. Collection method: clinical testing. Allele origin: unknown.

Natera, Inc.
Classification: Uncertain significance for Ataxia-telangiectasia. Last evaluated: 2020-09-16. Review status: no assertion criteria provided. Collection method: clinical testing. Allele origin: germline. Not counted in ClinVar's aggregate classification.

Literature cited by the submitters: PubMed 30287823 (cited by 3 submitters); PubMed 35264596 (cited by 3 submitters); PubMed 36243179 (cited by Labcorp Genetics (formerly Invitae), Labcorp and Women's Health and Genetics/Laboratory Corporation of America, LabCorp); PubMed 33309985 (cited by Ambry Genetics).

NM_000051.4(ATM):c.2879C>A (p.Pro960His)

Gene: ATM (ATM serine/threonine kinase; plus strand). Cytogenetic location: 11q22.3.
Variant type: single nucleotide variant.
Coding change: c.2879C>A on transcript NM_000051.4 (MANE Select); coding-DNA position 2879, C replaced by A.
Protein change: p.Pro960His; replaces proline 960 with histidine.
Molecular consequence: missense variant.
Genome position (GRCh38, 1-based): chr11:108,271,104, C>A. VCF-style: chr11-108271104-C-A. GRCh37 (hg19) VCF-style: chr11-108141831-C-A.
Other names: c.2879C>A, p.Pro960His (NM_001351834.2); short protein forms P960H.
Identifiers: ClinVar variation 221187 (VCV000221187.25), dbSNP rs587779828, ClinGen allele CA350856.